The following is an entry in ClinVar:

ClinVar aggregate classification (germline): Likely benign (1 of 4 stars; one submission).

Submission:

CeGaT Center for Human Genetics Tuebingen
Classification: Likely benign. Last evaluated: 2025-12-01. Review status: criteria provided, single submitter. Criteria: CeGaT Center For Human Genetics Tuebingen Variant Classification Criteria Version 2. Collection method: clinical testing. Allele origin: germline. Affected: yes. Observed: 1 variant allele.
Comment: POLR2A: PM2:Supporting, BP4, BP7

NM_000937.5(POLR2A):c.750C>T (p.Val250=)

Gene: POLR2A (RNA polymerase II subunit A; plus strand). Cytogenetic location: 17p13.1.
Variant type: single nucleotide variant.
Coding change: c.750C>T on transcript NM_000937.5 (MANE Select); coding-DNA position 750, C replaced by T.
Protein change: p.Val250=; no amino-acid change (valine 250 retained).
Molecular consequence: synonymous variant.
Genome position (GRCh38, 1-based): chr17:7,496,976, C>T. VCF-style: chr17-7496976-C-T. GRCh37 (hg19) VCF-style: chr17-7400295-C-T.
Identifiers: ClinVar variation 4681695 (VCV004681695.5).
Genomic context (GRCh38, chr17:7,496,976, plus strand): 5'-TGAGGAGTGTTTTGTGCTGGGCATGGAGCCCCGCTATGCACGGCCAGAGTGGATGATTGT[C>T]ACAGTGCTGCCTGTGCCCCCGCTCTCCGTGCGGCCTGCTGTTGTGATGCAGGGCTCTGCC-3'
Protein context (NP_000928.1, residues 240-260): PRYARPEWMI[Val250=]TVLPVPPLSV